The following is an entry in ClinVar:

NM_001941.5(DSC3):c.2236-1G>T

Gene: DSC3 (desmocollin 3; minus strand). Cytogenetic location: 18q12.1.
Variant type: single nucleotide variant.
Coding change: c.2236-1G>T on transcript NM_001941.5 (MANE Select); the canonical splice acceptor site of the intron before coding-DNA position 2236, G replaced by T.
Molecular consequence: splice acceptor variant.
Genome position (GRCh38, 1-based): chr18:30,997,049, C>A on the plus strand (G>T on the coding strand, the complement: DSC3 is on the minus strand). VCF-style: chr18-30997049-C-A. GRCh37 (hg19) VCF-style: chr18-28577015-C-A.
Other names: c.2236-1G>T (NM_024423.4).
Identifiers: ClinVar variation 2072986 (VCV002072986.1), dbSNP rs2510894240, ClinGen allele CA402250666.

ClinVar aggregate classification (germline): Likely pathogenic (1 of 4 stars; one submission).

Submission:

Labcorp Genetics (formerly Invitae), Labcorp
Classification: Likely pathogenic. Last evaluated: 2022-06-28. Review status: criteria provided, single submitter. Criteria: Invitae Variant Classification Sherloc (09022015). Collection method: clinical testing. Allele origin: germline.
Comment: This sequence change affects an acceptor splice site in intron 14 of the DSC3 gene. It is expected to disrupt RNA splicing. Variants that disrupt the donor or acceptor splice site typically lead to a loss of protein function (PMID: 16199547), and loss-of-function variants in DSC3 are known to be pathogenic (PMID: 18682494, 19765682, 31790667). This variant is not present in population databases (gnomAD no frequency). This variant has not been reported in the literature in individuals affected with DSC3-related conditions. Algorithms developed to predict the effect of sequence changes on RNA splicing suggest that this variant may disrupt the consensus splice site. In summary, the currently available evidence indicates that the variant is pathogenic, but additional data are needed to prove that conclusively. Therefore, this variant has been classified as Likely Pathogenic.

Literature cited by the submitters: PubMed 16199547; PubMed 18682494; PubMed 19765682; PubMed 31790667.